The following is an entry in ClinVar:

ClinVar aggregate classification (germline): Uncertain significance (3 of 4 stars; one submission).

Conditions:
Open-angle glaucoma. Identifiers: MedGen C0017612, MONDO:0005338, HP:0012108.

Submission:

ClinGen Glaucoma Variant Curation Expert Panel
Classification: Uncertain significance for Open-angle glaucoma. Last evaluated: 2025-12-03. Review status: reviewed by expert panel. Criteria: ClinGen Glaucoma ACMG Specifications V2.0.0 Approved. Collection method: curation. Allele origin: germline. Inheritance: Autosomal dominant inheritance.
Comment: The c.741del variant in MYOC is a deletion of a single nucleotide, predicted to encode a frameshift with consequent premature termination of the protein at codon 2 of the frameshift, or amino acid 248 (p.Glu247AspfsTer2). This variant is predicted to cause a deletion of ≥ 10% of the protein within the conserved olfactomedin domain, meeting PM4. PVS1 did not apply, as the disease mechanism for MYOC variants associated with primary open angle glaucoma is not loss-of-function. This variant was not found in any genetic ancestry group of gnomAD (v4.1.0), meeting the ≤ 0.0001 threshold set for PM2_Supporting in a genetic ancestry group of at least 10,000 alleles. There was no computational or functional evidence predicting a damaging or benign impact of this variant on MYOC function. Only 1 proband with primary open angle glaucoma had been reported (PMID: 14642164), not meeting the ≥ 2 probands threshold required to meet PS4_Supporting. In summary, this variant met the criteria to receive a score of 3 and to be classified as a variant of uncertain significance (uncertain significance classification range -1 to 5, adapted from PMID: 32720330) for primary open angle glaucoma based on the ACMG/AMP criteria met, as specified by the ClinGen Glaucoma VCEP (v2.0.0, 5 Dec 2024): PM4, PM2_Supporting.

NM_000261.2(MYOC):c.741del (p.Glu247fs)

Gene: MYOC (myocilin; minus strand). Cytogenetic location: 1q24.3.
Variant type: Deletion.
Coding change: c.741del on transcript NM_000261.2 (MANE Select); coding-DNA position 741, one base deleted (A; older notation c.741delA).
Protein change: p.Glu247fs; shifts the reading frame from glutamic acid 247.
Molecular consequence: frameshift variant.
Genome position (GRCh38, 1-based): chr1:171,636,699, T deleted on the plus strand (A on the coding strand, the reverse complement: MYOC is on the minus strand); the first of 2 consecutive T bases (chr1:171,636,699-171,636,700); deleting either gives the same sequence. VCF-style (leftmost placement, unchanged base first): chr1-171636698-GT-G. GRCh37 (hg19) VCF-style: chr1-171605838-GT-G.
Other names: NM_000261.2:c.740del; NM_000261.2(MYOC):c.741del; p.Glu247AspfsTer2; short protein forms E247fs.
Identifiers: ClinVar variation 2575092 (VCV002575092.2), dbSNP rs2527840160, ClinGen allele CA1139770963.
Genomic context (GRCh38, chr1:171,636,698, plus strand): 5'-CATACTTGCCAGTAATTGTTTCTGCTGTTCTCAGCGTGAGAGGCTCTCCTACCCAAACTA[GT>G]TCTCCACATCCTGGTAAATTCAGAAAAGAAAACGAAGCACCACTTAATCCATAATCTTTC-3'